The following is an entry in ClinVar:

ClinVar aggregate classification (germline): Uncertain significance (1 of 4 stars; one submission).

Allele frequency attached by ClinVar (database versions not stated): TOPMed below 0.00001.

Submission:

Labcorp Genetics (formerly Invitae), Labcorp
Classification: Uncertain significance. Last evaluated: 2024-10-16. Review status: criteria provided, single submitter. Criteria: Invitae Variant Classification Sherloc (09022015). Collection method: clinical testing. Allele origin: germline.
Comment: This sequence change replaces leucine, which is neutral and non-polar, with valine, which is neutral and non-polar, at codon 789 of the TCIRG1 protein (p.Leu789Val). This variant is not present in population databases (gnomAD no frequency). This variant has not been reported in the literature in individuals affected with TCIRG1-related conditions. ClinVar contains an entry for this variant (Variation ID: 2100307). Invitae Evidence Modeling of protein sequence and biophysical properties (such as structural, functional, and spatial information, amino acid conservation, physicochemical variation, residue mobility, and thermodynamic stability) indicates that this missense variant is not expected to disrupt TCIRG1 protein function with a negative predictive value of 80%. In summary, the available evidence is currently insufficient to determine the role of this variant in disease. Therefore, it has been classified as a Variant of Uncertain Significance.

NM_006019.4(TCIRG1):c.2365C>G (p.Leu789Val)

Gene: TCIRG1 (T cell immune regulator 1, ATPase H+ transporting V0 subunit a3; plus strand). Cytogenetic location: 11q13.2.
Variant type: single nucleotide variant.
Coding change: c.2365C>G on transcript NM_006019.4 (MANE Select); coding-DNA position 2365, C replaced by G.
Protein change: p.Leu789Val; replaces leucine 789 with valine.
Molecular consequence: missense variant.
Genome position (GRCh38, 1-based): chr11:68,050,615, C>G. VCF-style: chr11-68050615-C-G. GRCh37 (hg19) VCF-style: chr11-67818082-C-G.
Other names: c.1471C>G, p.Leu491Val (NM_001351059.2); c.1717C>G, p.Leu573Val (NM_006053.4); short protein forms L573V, L789V, L491V.
Identifiers: ClinVar variation 2100307 (VCV002100307.4), dbSNP rs1855758228, ClinGen allele CA381591919.
Genomic context (GRCh38, chr11:68,050,615, plus strand): 5'-GCGGCTGTGGTGCTGGTCCCCATCTTTGCCGCCTTTGCCGTGATGACCGTGGCTATCCTG[C>G]TGGTGATGGAGGGACTCTCAGCCTTCCTGCACGCCCTGCGGCTGCACTGGTGAGCGACCA-3'
Protein context (NP_006010.2, residues 779-799): AFAVMTVAIL[Leu789Val]VMEGLSAFLH